The following is an entry in ClinVar:

ClinVar aggregate classification (germline): Uncertain significance (1 of 4 stars; one submission).

Allele frequency attached by ClinVar (database versions not stated): gnomAD exomes below 0.00001; ExAC 0.00001; gnomAD 0.00001; TOPMed 0.00002.
gnomAD v4.1: 9 of 1,614,012 alleles (0.00056%); highest among the groups gnomAD compares: Non-Finnish European, 0.00076%; no homozygotes.

Submission:

Labcorp Genetics (formerly Invitae), Labcorp
Classification: Uncertain significance. Last evaluated: 2023-06-05. Review status: criteria provided, single submitter. Criteria: Invitae Variant Classification Sherloc (09022015). Collection method: clinical testing. Allele origin: germline.
Comment: In summary, the available evidence is currently insufficient to determine the role of this variant in disease. Therefore, it has been classified as a Variant of Uncertain Significance. Algorithms developed to predict the effect of missense changes on protein structure and function output the following: SIFT: "Not Available"; PolyPhen-2: "Benign"; Align-GVGD: "Not Available". The glutamic acid amino acid residue is found in multiple mammalian species, which suggests that this missense change does not adversely affect protein function. This variant has not been reported in the literature in individuals affected with RIPK1-related conditions. This variant is not present in population databases (gnomAD no frequency). This sequence change replaces glycine, which is neutral and non-polar, with glutamic acid, which is acidic and polar, at codon 454 of the RIPK1 protein (p.Gly454Glu).

NM_001354930.2(RIPK1):c.1361G>A (p.Gly454Glu)

Gene: RIPK1 (receptor interacting serine/threonine kinase 1; plus strand). Cytogenetic location: 6p25.2.
Variant type: single nucleotide variant.
Coding change: c.1361G>A on transcript NM_001354930.2 (MANE Select); coding-DNA position 1361, G replaced by A.
Protein change: p.Gly454Glu; replaces glycine 454 with glutamic acid.
Molecular consequence: missense variant.
Genome position (GRCh38, 1-based): chr6:3,105,836, G>A. VCF-style: chr6-3105836-G-A. GRCh37 (hg19) VCF-style: chr6-3106070-G-A.
Other names: c.872G>A, p.Gly291Glu (NM_001317061.3, NM_001354932.2, NM_001354933.2 and 1 more transcripts); c.1223G>A, p.Gly408Glu (NM_001354931.2); c.1361G>A, p.Gly454Glu (NM_003804.6); short protein forms G408E, G454E, G291E.
Identifiers: ClinVar variation 2970659 (VCV002970659.3), dbSNP rs779297969, ClinGen allele CA3618416.